The following is an entry in ClinVar:

NM_001002295.2(GATA3):c.778+1123T>C

Gene: GATA3 (GATA binding protein 3; plus strand). Cytogenetic location: 10p14.
Variant type: single nucleotide variant.
Coding change: c.778+1123T>C on transcript NM_001002295.2 (MANE Select); 1123 bases into the intron after coding-DNA position 778, T replaced by C.
Molecular consequence: intron variant.
Genome position (GRCh38, 1-based): chr10:8,059,964, T>C. VCF-style: chr10-8059964-T-C. GRCh37 (hg19) VCF-style: chr10-8101927-T-C.
Other names: c.778+1123T>C (NM_002051.3).
Identifiers: ClinVar variation 3893658 (VCV003893658.1), dbSNP rs3781093.
Genomic context (GRCh38, chr10:8,059,964, plus strand): 5'-CATCTCTTCTCTGATCGGCTCCAGGTATCTTGCCTCCGCTGTCTCTCTACAGATCCTATA[T>C]AGAAAGCAATCGTGAAAATCACTTGTCTTTTAGGGATGAGATGAGCAGCCTTGAAACCGA-3'

ClinVar aggregate classification (germline): Benign (1 of 4 stars; one submission).

Conditions:
B-cell childhood acute lymphoblastic leukemia. Identifiers: MedGen C0279584, MONDO:0000872.

gnomAD v4.1: 29,396 of 152,096 alleles (19%); highest among the groups gnomAD compares: East Asian, 30%; 3,087 homozygotes.

Submission:

Genetics and Cancer Laboratory, National Institute of Pediatrics, Mexico
Classification: Benign for B-cell childhood acute lymphoblastic leukemia. Last evaluated: 2024-11-04. Review status: criteria provided, single submitter. Criteria: ACMG Guidelines, 2015. Collection method: case-control. Allele origin: germline. Affected: yes and no. Observed: 259 variant alleles.
Comment: No clasiffication has been reported for this variant. However in the Mexican population, we have identified that the C allele was more frequent in children with acute lymphoblastic leukemia (ALL) than controls. In different populations this variant is associated with susceptibility to developing childhood ALL. We clearly observed that the C allele was associated with the risk of developing ALL in Mexican children. These results would be the first to demostrate the association between this variant and the disease in our country. Based on ACMG Guidelines 2015, this varians could be classified as BS1 (Allele frequency is greater than expected for disorder).

Literature cited by the submitters: PubMed 24141364; PubMed 25468567.